The following is an entry in ClinVar:

ClinVar aggregate classification (germline): Likely benign (1 of 4 stars; one submission).

Allele frequency attached by ClinVar (database versions not stated): gnomAD exomes 0.00029; ESP Exome Variant Server 0.00588; ExAC 0.00622.

Submission:

CeGaT Center for Human Genetics Tuebingen
Classification: Likely benign. Last evaluated: 2026-09-01. Review status: criteria provided, single submitter. Criteria: CeGaT Center For Human Genetics Tuebingen Variant Classification Criteria Version 2. Collection method: clinical testing. Allele origin: germline. Affected: yes. Observed: 6 variant alleles.
Comment: MUC5B: BP4, BP7

NM_002458.3(MUC5B):c.14598C>T (p.Thr4866=)

Gene: MUC5B (mucin 5B, oligomeric mucus/gel-forming; plus strand). Cytogenetic location: 11p15.5.
Variant type: single nucleotide variant.
Coding change: c.14598C>T on transcript NM_002458.3 (MANE Select); coding-DNA position 14598, C replaced by T.
Protein change: p.Thr4866=; no amino-acid change (threonine 4866 retained).
Molecular consequence: synonymous variant.
Genome position (GRCh38, 1-based): chr11:1,251,478, C>T. VCF-style: chr11-1251478-C-T. GRCh37 (hg19) VCF-style: chr11-1272708-C-T.
Identifiers: ClinVar variation 2641310 (VCV002641310.24), dbSNP rs200111607, ClinGen allele CA5808743.